The following is an entry in ClinVar:

NM_000020.3(ACVRL1):c.625+7_625+17del

Gene: ACVRL1 (activin A receptor like type 1; plus strand). Cytogenetic location: 12q13.13.
Variant type: Deletion.
Coding change: c.625+7_625+17del on transcript NM_000020.3 (MANE Select); bases 7 to 17 of the intron after coding-DNA position 625, 11 bases deleted (AGTGGGTGAGC).
Molecular consequence: splice donor variant. On other transcripts: intron variant (6).
Genome position (GRCh38, 1-based): chr12:51,914,080-51,914,090, AGTGGGTGAGC deleted; deleting any 11 consecutive bases within chr12:51,914,070-51,914,090 gives the same sequence; the c. name uses the placement nearest the transcript's 3' end. VCF-style (leftmost placement, unchanged base first): chr12-51914069-TGTGGGTGAGCA-T. GRCh37 (hg19) VCF-style: chr12-52307853-TGTGGGTGAGCA-T.
Other names: c.625+7_625+17del (NM_001406487.1, NM_001406488.1, NM_001077401.2 and 1 more transcripts); c.314-359_314-349del (NM_001406491.1, NM_001406490.1, NM_001406492.1 and 2 more transcripts); c.62-359_62-349del (NM_001406495.1).
Identifiers: ClinVar variation 4726643 (VCV004726643.1).

ClinVar aggregate classification (germline): Uncertain significance (1 of 4 stars; one submission).

Conditions:
Telangiectasia, hereditary hemorrhagic, type 2 (HHT2). Also called: ACVRL1-Related Hereditary Hemorrhagic Telangiectasia; Telangiectasia, hereditary hemorrhagic, type II. Identifiers: Orphanet 774, MedGen C1838163, MONDO:0010880, OMIM 600376. Disease mechanism: loss of function.

Submission:

Labcorp Genetics (formerly Invitae), Labcorp
Classification: Uncertain significance for Telangiectasia, hereditary hemorrhagic, type 2. Last evaluated: 2025-09-04. Review status: criteria provided, single submitter. Criteria: Invitae Variant Classification Sherloc (09022015). Collection method: clinical testing. Allele origin: germline.
Comment: This sequence change falls in intron 5 of the ACVRL1 gene. It does not directly change the encoded amino acid sequence of the ACVRL1 protein. This variant is not present in population databases (gnomAD no frequency). This variant has not been reported in the literature in individuals affected with ACVRL1-related conditions. Algorithms developed to predict the effect of sequence changes on RNA splicing suggest that this variant may disrupt the consensus splice site. In summary, the available evidence is currently insufficient to determine the role of this variant in disease. Therefore, it has been classified as a Variant of Uncertain Significance.